The following is an entry in ClinVar:

NM_018979.4(WNK1):c.5424G>T (p.Met1808Ile)

Gene: WNK1 (WNK lysine deficient protein kinase 1; plus strand). Cytogenetic location: 12p13.33.
Variant type: single nucleotide variant.
Coding change: c.5424G>T on transcript NM_018979.4 (MANE Select); coding-DNA position 5424, G replaced by T.
Protein change: p.Met1808Ile; replaces methionine 1808 with isoleucine.
Molecular consequence: missense variant.
Genome position (GRCh38, 1-based): chr12:889,199, G>T. VCF-style: chr12-889199-G-T. GRCh37 (hg19) VCF-style: chr12-998365-G-T.
Other names: c.6204G>T, p.Met2068Ile (NM_001184985.2); c.4683G>T, p.Met1561Ile (NM_014823.3); c.6180G>T, p.Met2060Ile (NM_213655.5); short protein forms M1808I, M2060I, M2068I, M1561I.
Identifiers: ClinVar variation 261073 (VCV000261073.25), dbSNP rs12828016, ClinGen allele CA6383167.
Genomic context (GRCh38, chr12:889,199, plus strand): 5'-GTCCCAGCAACCTCTAGAGGATCTTGATGCTCAATTGAGAAGAACACTTAGTCCAGAGAT[G>T]ATCACAGTGACTTCTGCGGTTGGTGTAAGTTTTGAAAATCTTGATAAAATCTCCTCATAA-3'
Protein context (NP_061852.3, residues 1798-1818): AQLRRTLSPE[Met1808Ile]ITVTSAVGPV

ClinVar aggregate classification (germline): Benign. Review status: criteria provided, multiple submitters, no conflicts (2 of 4 stars). 11 submissions from 11 submitters: Benign (9). 2 of the submissions do not count toward it. Last evaluated 2026-02-04.

Conditions:
Neuropathy, hereditary sensory and autonomic, type 2A (HSAN2A). Also called: ACROOSTEOLYSIS, GIACCAI TYPE; ACROOSTEOLYSIS, NEUROGENIC; MORVAN DISEASE; NEUROPATHY, CONGENITAL SENSORY; NEUROPATHY, HEREDITARY SENSORY RADICULAR, AUTOSOMAL RECESSIVE; NEUROPATHY, HEREDITARY SENSORY, TYPE IIA. Identifiers: Orphanet 970, MedGen C2752089, MONDO:0024309, OMIM 201300.
Pseudohypoaldosteronism type 2C (PHA2C). Also called: Pseudohypoaldosteronism Type IIC. Identifiers: Orphanet 757, Orphanet 88940, MedGen C1840391, MONDO:0013778, OMIM 614492.

Allele frequency attached by ClinVar (database versions not stated): gnomAD exomes 0.36988 and 0.38551; ExAC 0.37658; gnomAD 0.40719 and 0.40721; TOPMed 0.41193; 1000 Genomes Project 0.41753; 1000 Genomes Project 30x 0.41974; ESP Exome Variant Server 0.43142.

Submissions (11):

Labcorp Genetics (formerly Invitae), Labcorp
Classification: Benign for Neuropathy, hereditary sensory and autonomic, type 2A; Pseudohypoaldosteronism type 2C. Last evaluated: 2026-02-04. Review status: criteria provided, single submitter. Criteria: Invitae Variant Classification Sherloc (09022015). Collection method: clinical testing. Allele origin: germline.

Blueprint Genetics
Classification: Benign. Last evaluated: 2024-11-27. Review status: criteria provided, single submitter. Criteria: ACMG Guidelines, 2015. Collection method: clinical testing. Allele origin: germline.

Mayo Clinic Laboratories, Mayo Clinic
Classification: Benign. Last evaluated: 2022-03-09. Review status: criteria provided, single submitter. Criteria: ACMG Guidelines, 2015. Collection method: clinical testing. Allele origin: germline. Observed: 1,459 variant alleles.

Genome-Nilou Lab
Classification: Benign for Neuropathy, hereditary sensory and autonomic, type 2A. Last evaluated: 2021-07-14. Review status: criteria provided, single submitter. Criteria: ACMG Guidelines, 2015. Collection method: clinical testing. Allele origin: germline. Affected: no.

Illumina Laboratory Services, Illumina
Classification: Benign for Pseudohypoaldosteronism type 2C. Last evaluated: 2018-01-12. Review status: criteria provided, single submitter. Criteria: ICSL Variant Classification Criteria 13 December 2019. Collection method: clinical testing. Allele origin: germline.
Comment: This variant was observed in the ICSL laboratory as part of a predisposition screen in an ostensibly healthy population. It had not been previously curated by ICSL or reported in the Human Gene Mutation Database (HGMD: prior to June 1st, 2018), and was therefore a candidate for classification through an automated scoring system. Utilizing variant allele frequency, disease prevalence and penetrance estimates, and inheritance mode, an automated score was calculated to assess if this variant is too frequent to cause the disease. Based on the score and internal cut-off values, a variant classified as benign is not then subjected to further curation. The score for this variant resulted in a classification of benign for this disease.

Athena Diagnostics
Classification: Benign for Neuropathy, hereditary sensory and autonomic, type 2A. Last evaluated: 2017-06-12. Review status: criteria provided, single submitter. Criteria: Athena Diagnostics Criteria. Collection method: clinical testing. Allele origin: germline.

GeneDx
Classification: Benign. Last evaluated: 2015-03-03. Review status: criteria provided, single submitter. Criteria: GeneDx Variant Classification Process June 2021. Collection method: clinical testing. Allele origin: germline. Affected: yes.

Breakthrough Genomics
Classification: Benign. Review status: criteria provided, single submitter. Criteria: ACMG Guidelines, 2015. Collection method: not provided. Allele origin: germline. Inheritance: Autosomal recessive inheritance. Affected: yes.

PreventionGenetics, part of Exact Sciences
Classification: Benign. Review status: criteria provided, single submitter. Criteria: ACMG Guidelines, 2015. Collection method: clinical testing. Allele origin: germline.

Clinical Genetics, Academic Medical Center
Classification: Benign. Review status: no assertion criteria provided. Collection method: clinical testing. Allele origin: germline. Affected: yes. Study: VKGL Data-share Consensus. Not counted in ClinVar's aggregate classification.

Joint Genome Diagnostic Labs from Nijmegen and Maastricht, Radboudumc and MUMC+
Classification: Benign. Review status: no assertion criteria provided. Collection method: clinical testing. Allele origin: germline. Affected: yes. Study: VKGL Data-share Consensus. Not counted in ClinVar's aggregate classification.